The following is an entry in ClinVar:

NM_001734.5(C1S):c.1754C>T (p.Ala585Val)

Gene: C1S (complement C1s; plus strand). Cytogenetic location: 12p13.31.
Variant type: single nucleotide variant.
Coding change: c.1754C>T on transcript NM_001734.5 (MANE Select); coding-DNA position 1754, C replaced by T.
Protein change: p.Ala585Val; replaces alanine 585 with valine.
Molecular consequence: missense variant.
Genome position (GRCh38, 1-based): chr12:7,070,338, C>T. VCF-style: chr12-7070338-C-T. GRCh37 (hg19) VCF-style: chr12-7177642-C-T.
Other names: c.1253C>T, p.Ala418Val (NM_001346850.2); c.1754C>T, p.Ala585Val (NM_201442.4); short protein forms A418V, A585V.
Identifiers: ClinVar variation 1717497 (VCV001717497.5), dbSNP rs2135730490, ClinGen allele CA383706667.

ClinVar aggregate classification (germline): Uncertain significance (1 of 4 stars; one submission).

Submission:

Labcorp Genetics (formerly Invitae), Labcorp
Classification: Uncertain significance. Last evaluated: 2024-10-22. Review status: criteria provided, single submitter. Criteria: Invitae Variant Classification Sherloc (09022015). Collection method: clinical testing. Allele origin: germline.
Comment: This sequence change replaces alanine, which is neutral and non-polar, with valine, which is neutral and non-polar, at codon 585 of the C1S protein (p.Ala585Val). This variant is not present in population databases (gnomAD no frequency). This variant has not been reported in the literature in individuals affected with C1S-related conditions. ClinVar contains an entry for this variant (Variation ID: 1717497). Invitae Evidence Modeling of protein sequence and biophysical properties (such as structural, functional, and spatial information, amino acid conservation, physicochemical variation, residue mobility, and thermodynamic stability) indicates that this missense variant is not expected to disrupt C1S protein function with a negative predictive value of 80%. Algorithms developed to predict the effect of sequence changes on RNA splicing suggest that this variant may create or strengthen a splice site. In summary, the available evidence is currently insufficient to determine the role of this variant in disease. Therefore, it has been classified as a Variant of Uncertain Significance.